The following is an entry in ClinVar:

NM_022089.4(ATP13A2):c.1112G>A (p.Arg371Gln)

Gene: ATP13A2 (ATPase cation transporting 13A2; minus strand). Cytogenetic location: 1p36.13.
Variant type: single nucleotide variant.
Coding change: c.1112G>A on transcript NM_022089.4 (MANE Select); coding-DNA position 1112, G replaced by A.
Protein change: p.Arg371Gln; replaces arginine 371 with glutamine.
Molecular consequence: missense variant.
Genome position (GRCh38, 1-based): chr1:16,997,103, C>T on the plus strand (G>A on the coding strand, the complement: ATP13A2 is on the minus strand). VCF-style: chr1-16997103-C-T. GRCh37 (hg19) VCF-style: chr1-17323598-C-T.
Other names: c.1097G>A, p.Arg366Gln (NM_001141973.3, NM_001141974.3); short protein forms R366Q, R371Q.
Identifiers: ClinVar variation 875386 (VCV000875386.5), dbSNP rs779347442, ClinGen allele CA637362.

ClinVar aggregate classification (germline): Uncertain significance. Review status: criteria provided, multiple submitters, no conflicts (2 of 4 stars). 2 submissions from 2 submitters: Uncertain significance (2). Last evaluated 2019-08-26.

Conditions:
Kufor-Rakeb syndrome (KRS). Also called: PARKINSON DISEASE 9, AUTOSOMAL RECESSIVE, JUVENILE-ONSET. Identifiers: Orphanet 306674, Orphanet 314632, MedGen C1847640, MONDO:0011706, OMIM 606693.

Allele frequency attached by ClinVar (database versions not stated): gnomAD exomes 0.00001; ExAC 0.00002; gnomAD 0.00002; TOPMed 0.00002.

Submissions (2):

GeneDx
Classification: Uncertain significance. Last evaluated: 2019-08-26. Review status: criteria provided, single submitter. Criteria: GeneDx Variant Classification Process June 2021. Collection method: clinical testing. Allele origin: germline. Affected: yes.
Comment: Not observed at a significant frequency in large population cohorts (Lek et al., 2016); In silico analysis, which includes protein predictors and evolutionary conservation, supports a deleterious effect; Has not been previously published as pathogenic or benign to our knowledge

Illumina Laboratory Services, Illumina
Classification: Uncertain significance for Kufor-Rakeb syndrome. Last evaluated: 2017-04-27. Review status: criteria provided, single submitter. Criteria: ICSL Variant Classification Criteria 13 December 2019. Collection method: clinical testing. Allele origin: germline.